The following is an entry in ClinVar:

ClinVar aggregate classification (germline): Uncertain significance (1 of 4 stars; one submission).

Submission:

Ambry Genetics
Classification: Uncertain significance. Last evaluated: 2025-02-03. Review status: criteria provided, single submitter. Criteria: Ambry Variant Classification Scheme 2023. Collection method: clinical testing. Allele origin: germline.
Comment: The p.T938S variant (also known as c.2813C>G), located in coding exon 1 of the TET2 gene, results from a C to G substitution at nucleotide position 2813. The threonine at codon 938 is replaced by serine, an amino acid with similar properties. This amino acid position is conserved. In addition, this alteration is predicted to be tolerated by in silico analysis. Based on the available evidence, the clinical significance of this variant remains unclear.

NM_001127208.3(TET2):c.2813C>G (p.Thr938Ser)

Genes: TET2 (tet methylcytosine dioxygenase 2; plus strand), TET2-AS1 (TET2 antisense RNA 1; minus strand). Cytogenetic location: 4q24.
Variant type: single nucleotide variant.
Coding change: c.2813C>G on transcript NM_001127208.3 (MANE Select); coding-DNA position 2813, C replaced by G.
Protein change: p.Thr938Ser; replaces threonine 938 with serine.
Molecular consequence: missense variant.
Genome position (GRCh38, 1-based): chr4:105,236,755, C>G. VCF-style: chr4-105236755-C-G. GRCh37 (hg19) VCF-style: chr4-106157912-C-G.
Other names: c.2813C>G, p.Thr938Ser (NM_017628.4); short protein forms T938S.
Identifiers: ClinVar variation 3806027 (VCV003806027.1).
Genomic context (GRCh38, chr4:105,236,755, plus strand): 5'-GGTACTTGATACATAACCATGCAAATGTTTTTCCTGTGCCTGACCAGGGAGGAAGTCACA[C>G]TCAGACCCCTCCCCAGAAGGACACTCAAAAGCATGCTGCTCTAAGGTGGCATCTCTTACA-3'
Protein context (NP_001120680.1, residues 928-948): FPVPDQGGSH[Thr938Ser]QTPPQKDTQK